The following is an entry in ClinVar:

NM_000350.3(ABCA4):c.5284dup (p.Ala1762fs)

Gene: ABCA4 (ATP binding cassette subfamily A member 4; minus strand). Cytogenetic location: 1p22.1.
Variant type: Duplication.
Coding change: c.5284dup on transcript NM_000350.3 (MANE Select); coding-DNA position 5284, one base duplicated (G; older notation c.5284dupG).
Protein change: p.Ala1762fs; shifts the reading frame from alanine 1762.
Molecular consequence: frameshift variant.
Genome position (GRCh38, 1-based): chr1:94,015,767, C duplicated on the plus strand (G on the coding strand, the reverse complement: ABCA4 is on the minus strand). VCF-style (leftmost placement, unchanged base first): chr1-94015766-G-GC. GRCh37 (hg19) VCF-style: chr1-94481322-G-GC.
Other names: c.5062dup, p.Ala1688fs (NM_001425324.1); short protein forms A1688fs, A1762fs.
Identifiers: ClinVar variation 4857682 (VCV004857682.1).
Genomic context (GRCh38, chr1:94,015,766, plus strand): 5'-CAGAGGCATTAGCTAATGGCCCAAACGGCTTACCCATACAGCAGGAGCAGTGCCACAAGG[G>GC]CAGGAAGGTTTTCTGGAGAAGTGTAGGCTTTCTTCTGAAACCCGATGAAGATGCCCACCA-3'

ClinVar aggregate classification (germline): Pathogenic (1 of 4 stars; one submission).

Conditions:
Severe early-childhood-onset retinal dystrophy (STGD1). Also called: Stargardt macular dystrophy; Juvenile onset macular degeneration; Stargardt disease 1; MACULAR DYSTROPHY WITH FLECKS, TYPE 1; STGD. Identifiers: Orphanet 364055, Orphanet 827, MedGen C1855465, MeSH D000080362, MONDO:0009549, OMIM 248200.

Submission:

Ningxia Clinical Research Institute, People's Hospital of Ningxia Hui Autonomous Region
Classification: Pathogenic for Severe early-childhood-onset retinal dystrophy. Review status: criteria provided, single submitter. Criteria: ACMG Guidelines, 2015. Collection method: clinical testing. Allele origin: inherited. Inheritance: Autosomal recessive inheritance. Affected: yes. Observed: 1 variant allele, 1 compound heterozygote.
Comment: The NM_000350.3 c.5284dup (p.Ala1762GlyfsTer25), a duplication at cDNA position 5284 that results in a frameshift and a premature stop codon, is predicted to result in an absent or disrupted protein product (PVS1). This variant is absent from the East Asian population in gnomAD (PM2_Supporting). In summary, this variant meets criteria to be classified as pathogenic for Stargardt disease based on the ACMG/AMP criteria applied: PVS1, PM2_Supporting, PP4.